The following is an entry in ClinVar:

NM_020937.4(FANCM):c.3344A>G (p.Asn1115Ser)

Gene: FANCM (FA complementation group M; plus strand). Cytogenetic location: 14q21.2.
Variant type: single nucleotide variant.
Coding change: c.3344A>G on transcript NM_020937.4 (MANE Select); coding-DNA position 3344, A replaced by G.
Protein change: p.Asn1115Ser; replaces asparagine 1115 with serine.
Molecular consequence: missense variant.
Genome position (GRCh38, 1-based): chr14:45,176,098, A>G. VCF-style: chr14-45176098-A-G. GRCh37 (hg19) VCF-style: chr14-45645301-A-G.
Other names: c.3266A>G, p.Asn1089Ser (NM_001308133.2); short protein forms N1089S, N1115S.
Identifiers: ClinVar variation 1970520 (VCV001970520.5), dbSNP rs2503189917, ClinGen allele CA389601127.

ClinVar aggregate classification (germline): Uncertain significance (1 of 4 stars; one submission).

Conditions:
Fanconi anemia (FA). Also called: Fanconi's anemia. Identifiers: Orphanet 84, MedGen C0015625, MeSH D005199, MONDO:0019391.

Submission:

Labcorp Genetics (formerly Invitae), Labcorp
Classification: Uncertain significance for Fanconi anemia. Last evaluated: 2024-02-20. Review status: criteria provided, single submitter. Criteria: Invitae Variant Classification Sherloc (09022015). Collection method: clinical testing. Allele origin: germline.
Comment: This sequence change replaces asparagine, which is neutral and polar, with serine, which is neutral and polar, at codon 1115 of the FANCM protein (p.Asn1115Ser). This variant is not present in population databases (gnomAD no frequency). This variant has not been reported in the literature in individuals affected with FANCM-related conditions. ClinVar contains an entry for this variant (Variation ID: 1970520). Algorithms developed to predict the effect of missense changes on protein structure and function output the following: SIFT: "Not Available"; PolyPhen-2: "Benign"; Align-GVGD: "Not Available". The serine amino acid residue is found in multiple mammalian species, which suggests that this missense change does not adversely affect protein function. In summary, the available evidence is currently insufficient to determine the role of this variant in disease. Therefore, it has been classified as a Variant of Uncertain Significance.